The following is an entry in ClinVar:

NM_001024630.4(RUNX2):c.1453C>T (p.Pro485Ser)

Gene: RUNX2 (RUNX family transcription factor 2; plus strand). Cytogenetic location: 6p21.1.
Variant type: single nucleotide variant.
Coding change: c.1453C>T on transcript NM_001024630.4 (MANE Select); coding-DNA position 1453, C replaced by T.
Protein change: p.Pro485Ser; replaces proline 485 with serine.
Molecular consequence: missense variant.
Genome position (GRCh38, 1-based): chr6:45,547,192, C>T. VCF-style: chr6-45547192-C-T. GRCh37 (hg19) VCF-style: chr6-45514929-C-T.
Other names: c.1387C>T, p.Pro463Ser (NM_001015051.4); c.1345C>T, p.Pro449Ser (NM_001278478.2); c.1411C>T, p.Pro471Ser (NM_001369405.1, NM_004348.3); short protein forms P449S, P485S, P463S, P471S.
Identifiers: ClinVar variation 3015674 (VCV003015674.3), dbSNP rs1421970328, ClinGen allele CA363957251.

ClinVar aggregate classification (germline): Uncertain significance (1 of 4 stars; one submission).

Allele frequency attached by ClinVar (database versions not stated): gnomAD exomes 0.00001.
gnomAD v4.1: 5 of 1,614,166 alleles (0.00031%); highest among the groups gnomAD compares: Admixed American, 0.0083%; 2 homozygotes.

Submission:

Labcorp Genetics (formerly Invitae), Labcorp
Classification: Uncertain significance. Last evaluated: 2023-06-16. Review status: criteria provided, single submitter. Criteria: Invitae Variant Classification Sherloc (09022015). Collection method: clinical testing. Allele origin: germline.
Comment: In summary, the available evidence is currently insufficient to determine the role of this variant in disease. Therefore, it has been classified as a Variant of Uncertain Significance. Advanced modeling of protein sequence and biophysical properties (such as structural, functional, and spatial information, amino acid conservation, physicochemical variation, residue mobility, and thermodynamic stability) performed at Invitae indicates that this missense variant is not expected to disrupt RUNX2 protein function. This variant has not been reported in the literature in individuals affected with RUNX2-related conditions. This variant is present in population databases (no rsID available, gnomAD 0.003%). This sequence change replaces proline, which is neutral and non-polar, with serine, which is neutral and polar, at codon 485 of the RUNX2 protein (p.Pro485Ser).